The following is an entry in ClinVar:

NM_000090.4(COL3A1):c.1357G>T (p.Gly453Cys)

Gene: COL3A1 (collagen type III alpha 1 chain; plus strand). Cytogenetic location: 2q32.2.
Variant type: single nucleotide variant.
Coding change: c.1357G>T on transcript NM_000090.4 (MANE Select); coding-DNA position 1357, G replaced by T.
Protein change: p.Gly453Cys; replaces glycine 453 with cysteine.
Molecular consequence: missense variant.
Genome position (GRCh38, 1-based): chr2:188,994,733, G>T. VCF-style: chr2-188994733-G-T. GRCh37 (hg19) VCF-style: chr2-189859459-G-T.
Other names: short protein forms G453C.
Identifiers: ClinVar variation 1467383 (VCV001467383.8), dbSNP rs2153502433, ClinGen allele CA349851751.

ClinVar aggregate classification (germline): Likely pathogenic (1 of 4 stars; one submission).

Conditions:
Ehlers-Danlos syndrome, type 4 (EDSVASC). Also called: Ehlers-Danlos syndrome vascular type; Ehlers Danlos syndrome, ecchymotic type; Ehlers Danlos syndrome, arterial type; Ehlers Danlos syndrome, Sack-Barabas type; Ehlers-Danlos Syndrome Type IV. Identifiers: Orphanet 286, MedGen C0268338, MONDO:0017314, OMIM 130050.

Submission:

Labcorp Genetics (formerly Invitae), Labcorp
Classification: Likely pathogenic for Ehlers-Danlos syndrome, type 4. Last evaluated: 2021-07-27. Review status: criteria provided, single submitter. Criteria: Invitae Variant Classification Sherloc (09022015). Collection method: clinical testing. Allele origin: germline.
Comment: This variant disrupts the triple helix domain of COL3A1. Glycine residues within the Gly-Xaa-Yaa repeats of the triple helix domain are required for the structure and stability of fibrillar collagens (PMID: 7695699, 8218237, 19344236). In COL3A1, variants that affect these glycine residues are significantly enriched in individuals with disease (PMID: 24922459, 25758994) compared to the general population (ExAC). In summary, the currently available evidence indicates that the variant is pathogenic, but additional data are needed to prove that conclusively. Therefore, this variant has been classified as Likely Pathogenic. Advanced modeling of protein sequence and biophysical properties (such as structural, functional, and spatial information, amino acid conservation, physicochemical variation, residue mobility, and thermodynamic stability) performed at Invitae indicates that this missense variant is expected to disrupt COL3A1 protein function. This variant has not been reported in the literature in individuals with COL3A1-related conditions. This variant is not present in population databases (ExAC no frequency). This sequence change replaces glycine with cysteine at codon 453 of the COL3A1 protein (p.Gly453Cys). The glycine residue is highly conserved and there is a large physicochemical difference between glycine and cysteine.

Literature cited by the submitters: PubMed 7695699; PubMed 8218237; PubMed 19344236; PubMed 24922459; PubMed 25758994.